The following is an entry in ClinVar:

ClinVar aggregate classification (germline): Uncertain significance (1 of 4 stars; one submission).

gnomAD v4.1: 3 of 1,613,838 alleles (0.00019%); highest among the groups gnomAD compares: Non-Finnish European, 0.00025%; no homozygotes.

Submission:

Labcorp Genetics (formerly Invitae), Labcorp
Classification: Uncertain significance. Last evaluated: 2024-03-24. Review status: criteria provided, single submitter. Criteria: Invitae Variant Classification Sherloc (09022015). Collection method: clinical testing. Allele origin: germline.
Comment: This sequence change replaces glycine, which is neutral and non-polar, with aspartic acid, which is acidic and polar, at codon 2174 of the COL7A1 protein (p.Gly2174Asp). This variant is present in population databases (no rsID available, gnomAD 0.0009%). This variant has not been reported in the literature in individuals affected with COL7A1-related conditions. Advanced modeling of protein sequence and biophysical properties (such as structural, functional, and spatial information, amino acid conservation, physicochemical variation, residue mobility, and thermodynamic stability) performed at Invitae indicates that this missense variant is expected to disrupt COL7A1 protein function with a positive predictive value of 95%. This variant disrupts the triple helix domain of COL7A1. Glycine residues within the Gly-Xaa-Yaa repeats of the triple helix domain are required for the structure and stability of fibrillar collagens (PMID: 7695699, 8218237, 19344236), and variants at these glycine residues in COL7A1 are more frequently observed in individuals with disease than in the general population (PMID: 22058051). However, the clinical significance of this observation remains uncertain since only a limited number of affected individuals have been described to date. In summary, the available evidence is currently insufficient to determine the role of this variant in disease. Therefore, it has been classified as a Variant of Uncertain Significance.

Literature cited by the submitters: PubMed 7695699; PubMed 8218237; PubMed 19344236; PubMed 22058051.

NM_000094.4(COL7A1):c.6521G>A (p.Gly2174Asp)

Gene: COL7A1 (collagen type VII alpha 1 chain; minus strand). Cytogenetic location: 3p21.31.
Variant type: single nucleotide variant.
Coding change: c.6521G>A on transcript NM_000094.4 (MANE Select); coding-DNA position 6521, G replaced by A.
Protein change: p.Gly2174Asp; replaces glycine 2174 with aspartic acid.
Molecular consequence: missense variant.
Genome position (GRCh38, 1-based): chr3:48,573,871, C>T on the plus strand (G>A on the coding strand, the complement: COL7A1 is on the minus strand). VCF-style: chr3-48573871-C-T. GRCh37 (hg19) VCF-style: chr3-48611304-C-T.
Other names: short protein forms G2174D.
Identifiers: ClinVar variation 3677763 (VCV003677763.2).
Genomic context (GRCh38, chr3:48,573,871, plus strand): 5'-GCACAGGATGGGGGCAAGACAGGTGAAGGTTCTTGGGTACTCACCACTGGGCCAGGGGGG[C>T]CTCTTGGACCCTGCAGACCCTACATAGAGAGGGCACTGATGAGCCTCAATCTGGGCCTCA-3'
Protein context (NP_000085.1, residues 2164-2184): EGKPGLQGPR[Gly2174Asp]PPGPVGGHGD